The following is an entry in ClinVar:

ClinVar aggregate classification (germline): Uncertain significance (1 of 4 stars; one submission).

Submission:

Labcorp Genetics (formerly Invitae), Labcorp
Classification: Uncertain significance. Last evaluated: 2024-12-31. Review status: criteria provided, single submitter. Criteria: Invitae Variant Classification Sherloc (09022015). Collection method: clinical testing. Allele origin: germline.
Comment: This sequence change creates a premature translational stop signal (p.Leu633Thrfs*12) in the HDC gene. While this is not anticipated to result in nonsense mediated decay, it is expected to disrupt the last 30 amino acid(s) of the HDC protein. This variant is not present in population databases (gnomAD no frequency). This variant has not been reported in the literature in individuals affected with HDC-related conditions. In summary, the available evidence is currently insufficient to determine the role of this variant in disease. Therefore, it has been classified as a Variant of Uncertain Significance.

NM_002112.4(HDC):c.1896dup (p.Leu633fs)

Gene: HDC (histidine decarboxylase; minus strand). Cytogenetic location: 15q21.2.
Variant type: Duplication.
Coding change: c.1896dup on transcript NM_002112.4 (MANE Select); coding-DNA position 1896, one base duplicated (A; older notation c.1896dupA).
Protein change: p.Leu633fs; shifts the reading frame from leucine 633.
Molecular consequence: frameshift variant.
Genome position (GRCh38, 1-based): chr15:50,242,353, T duplicated on the plus strand (A on the coding strand, the reverse complement: HDC is on the minus strand); the first of 6 consecutive T bases (chr15:50,242,353-50,242,358); duplicating any one gives the same sequence. VCF-style (leftmost placement, unchanged base first): chr15-50242352-G-GT. GRCh37 (hg19) VCF-style: chr15-50534549-G-GT.
Other names: c.1797dup, p.Leu600fs (NM_001306146.2); short protein forms L600fs, L633fs.
Identifiers: ClinVar variation 3728342 (VCV003728342.2).